The following is an entry in ClinVar:

ClinVar aggregate classification (germline): Uncertain significance. Review status: criteria provided, multiple submitters, no conflicts (2 of 4 stars). 2 submissions from 2 submitters: Uncertain significance (2). Last evaluated 2024-06-18.

Conditions:
Autosomal recessive limb-girdle muscular dystrophy type 2W (MDRCMTT). Also called: Muscular dystrophy, limb-girdle, type 2W; Muscular dystrophy, autosomal recessive, with cardiomyopathy and triangular tongue. Identifiers: MedGen C4225192, MONDO:0014788, OMIM 616827.

Allele frequency attached by ClinVar (database versions not stated): ExAC 0.00002; gnomAD 0.00003 and 0.00004; gnomAD exomes 0.00003; TOPMed 0.00003; ESP Exome Variant Server 0.00008.
gnomAD v4.1: 24 of 1,613,742 alleles (0.0015%); highest among the groups gnomAD compares: Middle Eastern, 0.016%; no homozygotes.

Submissions (2):

Ambry Genetics
Classification: Uncertain significance. Last evaluated: 2024-06-18. Review status: criteria provided, single submitter. Criteria: Ambry Variant Classification Scheme 2023. Collection method: clinical testing. Allele origin: germline.

Labcorp Genetics (formerly Invitae), Labcorp
Classification: Uncertain significance for Autosomal recessive limb-girdle muscular dystrophy type 2W. Last evaluated: 2022-03-26. Review status: criteria provided, single submitter. Criteria: Invitae Variant Classification Sherloc (09022015). Collection method: clinical testing. Allele origin: germline.
Comment: Algorithms developed to predict the effect of missense changes on protein structure and function are either unavailable or do not agree on the potential impact of this missense change (SIFT: "Deleterious"; PolyPhen-2: "Probably Damaging"; Align-GVGD: "Class C15"). In summary, the available evidence is currently insufficient to determine the role of this variant in disease. Therefore, it has been classified as a Variant of Uncertain Significance. ClinVar contains an entry for this variant (Variation ID: 941650). This variant has not been reported in the literature in individuals affected with LIMS2-related conditions. This variant is present in population databases (rs372067171, gnomAD 0.006%). This sequence change replaces phenylalanine, which is neutral and non-polar, with leucine, which is neutral and non-polar, at codon 63 of the LIMS2 protein (p.Phe63Leu).

NM_001161403.3(LIMS2):c.121T>C (p.Phe41Leu)

Gene: LIMS2 (LIM zinc finger domain containing 2; minus strand). Cytogenetic location: 2q14.3.
Variant type: single nucleotide variant.
Coding change: c.121T>C on transcript NM_001161403.3 (MANE Select); coding-DNA position 121, T replaced by C.
Protein change: p.Phe41Leu; replaces phenylalanine 41 with leucine.
Molecular consequence: missense variant.
Genome position (GRCh38, 1-based): chr2:127,657,453, A>G on the plus strand (T>C on the coding strand, the complement: LIMS2 is on the minus strand). VCF-style: chr2-127657453-A-G. GRCh37 (hg19) VCF-style: chr2-128415027-A-G.
Other names: c.193T>C (NM_017980.4); c.187T>C, p.Phe63Leu (NM_001136037.4); c.106T>C, p.Phe36Leu (NM_001161404.2); c.193T>C, p.Phe65Leu (NM_017980.5); short protein forms F65L, F41L, F63L, F36L.
Identifiers: ClinVar variation 941650 (VCV000941650.12), dbSNP rs372067171, ClinGen allele CA1863564.
Genomic context (GRCh38, chr2:127,657,453, plus strand): 5'-GTGTCCTCACCTCATAGAAGAGCCCCTCGGGGAAGGGCCGGAAGCACTGGGCACACACGA[A>G]GCAGTGCTCATGGTACAGCTCCCCATTGCTGTTGACAATGCGCTCGGCGGGGGAGAAGCG-3'
Protein context (NP_001154875.1, residues 31-51): SNGELYHEHC[Phe41Leu]VCAQCFRPFP